The following is an entry in ClinVar:

ClinVar aggregate classification (germline): Benign. Review status: criteria provided, multiple submitters, no conflicts (2 of 4 stars). 3 submissions from 3 submitters: Benign (2). 1 of the submissions does not count toward it. Last evaluated 2026-01-23.

Conditions:
IGF1R-related disorder. Also called: IGF1R-related condition.

Allele frequency attached by ClinVar (database versions not stated): ExAC 0.00052; gnomAD exomes 0.00058; 1000 Genomes Project 0.00140; 1000 Genomes Project 30x 0.00141; gnomAD 0.00165 and 0.00183; TOPMed 0.00190; ESP Exome Variant Server 0.00231.
gnomAD v4.1: 634 of 1,614,150 alleles (0.039%); highest among the groups gnomAD compares: African/African-American, 0.53%; 1 homozygote.

Submissions (3):

Labcorp Genetics (formerly Invitae), Labcorp
Classification: Benign. Last evaluated: 2026-01-23. Review status: criteria provided, single submitter. Criteria: Invitae Variant Classification Sherloc (09022015). Collection method: clinical testing. Allele origin: germline.

Breakthrough Genomics
Classification: Benign. Review status: criteria provided, single submitter. Criteria: ACMG Guidelines, 2015. Collection method: not provided. Allele origin: germline. Inheritance: Autosomal dominant inheritance. Affected: yes.

PreventionGenetics, part of Exact Sciences
Classification: Likely benign for IGF1R-related condition. Last evaluated: 2019-06-19. Review status: no assertion criteria provided. Collection method: clinical testing. Allele origin: germline. Not counted in ClinVar's aggregate classification.
Comment: This variant is classified as likely benign based on ACMG/AMP sequence variant interpretation guidelines (Richards et al. 2015 PMID: 25741868, with internal and published modifications).

NM_000875.5(IGF1R):c.1162G>A (p.Val388Met)

Gene: IGF1R (insulin like growth factor 1 receptor; plus strand). Cytogenetic location: 15q26.3.
Variant type: single nucleotide variant.
Coding change: c.1162G>A on transcript NM_000875.5 (MANE Select); coding-DNA position 1162, G replaced by A.
Protein change: p.Val388Met; replaces valine 388 with methionine.
Molecular consequence: missense variant.
Genome position (GRCh38, 1-based): chr15:98,899,536, G>A. VCF-style: chr15-98899536-G-A. GRCh37 (hg19) VCF-style: chr15-99442765-G-A.
Other names: c.1162G>A, p.Val388Met (NM_001291858.2); short protein forms V388M.
Identifiers: ClinVar variation 716221 (VCV000716221.12), dbSNP rs45445894, ClinGen allele CA7752027.